The following is an entry in ClinVar:

NM_016312.3(WBP11):c.680dup (p.Arg228fs)

Gene: WBP11 (WW domain binding protein 11; minus strand). Cytogenetic location: 12p12.3.
Variant type: Duplication.
Coding change: c.680dup on transcript NM_016312.3 (MANE Select); coding-DNA position 680, one base duplicated (C; older notation c.680dupC).
Protein change: p.Arg228fs; shifts the reading frame from arginine 228.
Molecular consequence: frameshift variant.
Genome position (GRCh38, 1-based): chr12:14,794,578, G duplicated on the plus strand (C on the coding strand, the reverse complement: WBP11 is on the minus strand); the first of 5 consecutive G bases (chr12:14,794,578-14,794,582); duplicating any one gives the same sequence. VCF-style (leftmost placement, unchanged base first): chr12-14794577-A-AG. GRCh37 (hg19) VCF-style: chr12-14947511-A-AG.
Other names: short protein forms R228fs.
Identifiers: ClinVar variation 4531388 (VCV004531388.1).
Genomic context (GRCh38, chr12:14,794,577, plus strand): 5'-AAAGAACAGTCACTTCTCACCAAGTTCAGGACTATATAACATGTCTTCATCTCGCCTACG[A>AG]GGGGGAAGATCTAGGGCAAAACCCACTTTACGGCCATACATCTGCACGACTTGAGGAGGA-3'

ClinVar aggregate classification (germline): Pathogenic (1 of 4 stars; one submission).

Conditions:
Vertebral, cardiac, tracheoesophageal, renal, and limb defects. Also called: VCTERL SYNDROME. Identifiers: MedGen C5543189, MONDO:0030987, OMIM 619227.

Submission:

Victorian Clinical Genetics Services, Murdoch Childrens Research Institute
Classification: Pathogenic for Vertebral, cardiac, tracheoesophageal, renal, and limb defects. Last evaluated: 2025-01-31. Review status: criteria provided, single submitter. Criteria: ACMG Guidelines, 2015. Collection method: clinical testing. Allele origin: germline. Affected: yes.
Comment: This variant is classified as Pathogenic. Evidence in support of pathogenic classification: Variant is predicted to cause nonsense-mediated decay (NMD) and loss of protein (premature termination codon is located at least 54 nucleotides upstream of the final exon-exon junction); Variant is absent from gnomAD (v2, v3 and v4); Other NMD-predicted variant(s) comparable to the one identified in this case have strong previous evidence for pathogenicity (DECIPHER; PMID: 33276377); Additional information: This variant is heterozygous; This gene is associated with autosomal dominant disease; This variant has no previous evidence of pathogenicity; No published segregation evidence has been identified for this variant; No published functional evidence has been identified for this variant; Loss of function is a known mechanism of disease in this gene and is associated with vertebral, cardiac, tracheoesophageal, renal, and limb defects (MIM#619227); The condition associated with this gene has incomplete penetrance (PMID: 33276377); Variants in this gene are known to have variable expressivity. Intrafamilial variability has also been reported (PMID: 33276377).

Literature cited by the submitters: PubMed 33276377.